The following is an entry in ClinVar:

ClinVar aggregate classification (germline): Likely benign. Review status: criteria provided, multiple submitters, no conflicts (2 of 4 stars). 7 submissions from 7 submitters: Likely benign (7). Last evaluated 2025-12-24.

Conditions:
Marfan syndrome (MFS). Also called: MARFAN SYNDROME, TYPE I; FBN1-Related Marfan Syndrome; Marfan syndrome, classic; Marfan syndrome type 1; Marfan's syndrome. Identifiers: Orphanet 284963, Orphanet 558, MedGen C0024796, MONDO:0007947, OMIM 154700.
Familial thoracic aortic aneurysm and aortic dissection (TAAD). Also called: Thoracic aortic aneurysms and dissections. Identifiers: Orphanet 91387, MedGen C4707243, MONDO:0019625.

Allele frequency attached by ClinVar (database versions not stated): gnomAD 0.00001; TOPMed 0.00001.
gnomAD v4.1: 5 of 1,614,034 alleles (0.00031%); highest among the groups gnomAD compares: Non-Finnish European, 0.00042%; no homozygotes.

Submissions (7):

Labcorp Genetics (formerly Invitae), Labcorp
Classification: Likely benign for Marfan syndrome; Familial thoracic aortic aneurysm and aortic dissection. Last evaluated: 2025-12-24. Review status: criteria provided, single submitter. Criteria: Invitae Variant Classification Sherloc (09022015). Collection method: clinical testing. Allele origin: germline.

ARUP Laboratories, Molecular Genetics and Genomics, ARUP Laboratories
Classification: Likely benign. Last evaluated: 2025-05-28. Review status: criteria provided, single submitter. Criteria: ARUP Molecular Germline Variant Investigation Process 2024. Collection method: clinical testing. Allele origin: germline.

All of Us Research Program, National Institutes of Health
Classification: Likely benign for Marfan syndrome. Last evaluated: 2024-01-03. Review status: criteria provided, single submitter. Criteria: ACMG Guidelines, 2015. Collection method: clinical testing. Allele origin: germline. Inheritance: Autosomal dominant inheritance. Observed: 4 variant alleles, 4 heterozygotes.
Comment: This study involves interpretation of variants in research participants for the purpose of population health screening. Participant phenotype was not available at the time of variant classification. Additional details can be found in publication PMID: 35346344, PMCID: PMC8962531

Blueprint Genetics
Classification: Likely benign. Last evaluated: 2022-10-11. Review status: criteria provided, single submitter. Criteria: ACMG Guidelines, 2015. Collection method: clinical testing. Allele origin: germline.

GeneDx
Classification: Likely benign. Last evaluated: 2021-06-19. Review status: criteria provided, single submitter. Criteria: GeneDx Variant Classification Process June 2021. Collection method: clinical testing. Allele origin: germline. Affected: yes.

Color Diagnostics, LLC DBA Color Health
Classification: Likely benign for Familial thoracic aortic aneurysm and aortic dissection. Last evaluated: 2019-07-15. Review status: criteria provided, single submitter. Criteria: ACMG Guidelines, 2015. Collection method: clinical testing. Allele origin: germline.

Ambry Genetics
Classification: Likely benign for Familial thoracic aortic aneurysm and aortic dissection. Last evaluated: 2015-04-06. Review status: criteria provided, single submitter. Criteria: Ambry Variant Classification Scheme 2023. Collection method: clinical testing. Allele origin: germline.

NM_000138.5(FBN1):c.2127A>C (p.Ala709=)

Gene: FBN1 (fibrillin 1; minus strand). Cytogenetic location: 15q21.1.
Variant type: single nucleotide variant.
Coding change: c.2127A>C on transcript NM_000138.5 (MANE Select); coding-DNA position 2127, A replaced by C.
Protein change: p.Ala709=; no amino-acid change (alanine 709 retained).
Molecular consequence: synonymous variant.
Genome position (GRCh38, 1-based): chr15:48,499,025, T>G on the plus strand (A>C on the coding strand, the complement: FBN1 is on the minus strand). VCF-style: chr15-48499025-T-G. GRCh37 (hg19) VCF-style: chr15-48791222-T-G.
Identifiers: ClinVar variation 263959 (VCV000263959.23), dbSNP rs886038990, ClinGen allele CA10587852.
Genomic context (GRCh38, chr15:48,499,025, plus strand): 5'-ATTTTGAAAGGAATCCTTACCACTGCCTGCTGACGTCATTCCTGGCCCACTGCTGCAGAG[T>G]GCCTGATATTCCGCTGCAATAAATTAACAGATAGTAAATGATTCCCTTGTTTGCAGAACA-3'
Protein context (NP_000129.3, residues 699-719): CPAQNSAEYQ[Ala709=]LCSSGPGMTS